The following is an entry in ClinVar:

ClinVar aggregate classification (germline): Pathogenic. Review status: criteria provided, multiple submitters, no conflicts (2 of 4 stars). 4 submissions from 4 submitters: Pathogenic (4). Last evaluated 2026-04-27.

Conditions:
Hypotonia, infantile, with psychomotor retardation and characteristic facies 3 (IHPRF3). Also called: TBCK-Related Neurodevelopmental Disorder. Identifiers: Orphanet 488632, MedGen C5567480, MONDO:0014823, OMIM 616900.

Submissions (4):

Women's Health and Genetics/Laboratory Corporation of America, LabCorp
Classification: Pathogenic for Hypotonia, infantile, with psychomotor retardation and characteristic facies 3. Last evaluated: 2026-04-27. Review status: criteria provided, single submitter. Criteria: LabCorp Variant Classification Summary - May 2015. Collection method: clinical testing. Allele origin: germline.
Comment: Variant summary: TBCK c.1290delC (p.Arg431GlufsX9) results in a premature termination codon, predicted to cause a truncation of the encoded protein or absence of the protein due to nonsense mediated decay, which are commonly known mechanisms for disease. The variant was absent in 235454 control chromosomes. c.1290delC has been observed in at least one homozygous individual(s) affected with early- infantile developmental and epileptic encephalopathy (e.g. Agarwala_2023). These data indicate that the variant is likely to be associated with disease. To our knowledge, no experimental evidence demonstrating an impact on protein function has been reported. The following publication has been ascertained in the context of this evaluation (PMID: 38074073). ClinVar contains an entry for this variant (Variation ID: 1325175). Based on the evidence outlined above, the variant was classified as pathogenic.

GeneDx
Classification: Pathogenic. Last evaluated: 2025-03-12. Review status: criteria provided, single submitter. Criteria: GeneDx Variant Classification Process June 2021. Collection method: clinical testing. Allele origin: germline. Affected: yes.
Comment: Frameshift variant predicted to result in protein truncation or nonsense mediated decay in a gene for which loss of function is a known mechanism of disease; Not observed at significant frequency in large population cohorts (gnomAD); This variant is associated with the following publications: (PMID: 38074073)

Broad Center for Mendelian Genomics, Broad Institute of MIT and Harvard
Classification: Pathogenic for Hypotonia, infantile, with psychomotor retardation and characteristic facies 3. Last evaluated: 2025-01-13. Review status: criteria provided, single submitter. Criteria: ACMG Guidelines, 2015. Collection method: curation. Allele origin: germline. Inheritance: Autosomal recessive inheritance.
Comment: The p.Arg431GlufsTer9 variant in TBCK has been reported, in the homozygous state, in 1 individual with TBCK-related intellectual disability syndrome (PMID: 38074073), and has been identified in 0.002% (2/84040) of South Asian chromosomes by the Genome Aggregation Database (gnomAD; dbSNP rs2150010260). Although this variant has been seen in the general population in a heterozygous state, its frequency is low enough to be consistent with a recessive carrier frequency. This variant has also been reported in ClinVar (Variation ID: 1325175) and has been interpreted as pathogenic by Invitae. This variant is predicted to cause a frameshift, which alters the protein‚Äôs amino acid sequence beginning at position 431 and leads to a premature termination codon 9 amino acids downstream. This alteration is then predicted to lead to a truncated or absent protein. Loss of function of the TBCK gene is an established disease mechanism in autosomal recessive TBCK-related intellectual disability syndrome. In summary, this variant meets criteria to be classified as pathogenic for autosomal recessive TBCK-related intellectual disability syndrome. ACMG/AMP Criteria applied: PVS1, PM2_supporting, PM3_supporting (Richards 2015).

Labcorp Genetics (formerly Invitae), Labcorp
Classification: Pathogenic. Last evaluated: 2021-10-24. Review status: criteria provided, single submitter. Criteria: Invitae Variant Classification Sherloc (09022015). Collection method: clinical testing. Allele origin: germline.
Comment: For these reasons, this variant has been classified as Pathogenic. This variant has not been reported in the literature in individuals affected with TBCK-related conditions. This variant is not present in population databases (gnomAD no frequency). This sequence change creates a premature translational stop signal (p.Arg431Glufs*9) in the TBCK gene. It is expected to result in an absent or disrupted protein product. Loss-of-function variants in TBCK are known to be pathogenic (PMID: 27040692, 30103036).

Literature cited by the submitters: PubMed 38074073 (cited by Women's Health and Genetics/Laboratory Corporation of America, LabCorp); PubMed 27040692 (cited by Labcorp Genetics (formerly Invitae), Labcorp); PubMed 30103036 (cited by Labcorp Genetics (formerly Invitae), Labcorp).

NM_001163435.3(TBCK):c.1290del (p.Arg431fs)

Gene: TBCK (TBC1 domain containing kinase; minus strand). Cytogenetic location: 4q24.
Variant type: Deletion.
Coding change: c.1290del on transcript NM_001163435.3 (MANE Select); coding-DNA position 1290, one base deleted (C; older notation c.1290delC).
Protein change: p.Arg431fs; shifts the reading frame from arginine 431.
Molecular consequence: frameshift variant.
Genome position (GRCh38, 1-based): chr4:106,236,450, G deleted on the plus strand (C on the coding strand, the reverse complement: TBCK is on the minus strand). VCF-style (leftmost placement, unchanged base first): chr4-106236449-TG-T. GRCh37 (hg19) VCF-style: chr4-107157606-TG-T.
Other names: NM_001163435.3(TBCK):c.1290del; p.Arg431fs; c.1290del (NM_001163435.2); c.1290del, p.Arg431fs (NM_001163436.4); c.1173del, p.Arg392fs (NM_001163437.3); c.774del, p.Arg259fs (NM_001290768.2); c.1101del, p.Arg368fs (NM_033115.5); c.1290delC (NM_001163435.3); short protein forms R259fs, R368fs, R392fs, R431fs.
Identifiers: ClinVar variation 1325175 (VCV001325175.10), dbSNP rs2150010260, ClinGen allele CA2573052278.